The following is an entry in ClinVar:

NM_002230.4(JUP):c.1055-14del

Gene: JUP (junction plakoglobin; minus strand). Cytogenetic location: 17q21.2.
Variant type: Deletion.
Coding change: c.1055-14del on transcript NM_002230.4 (MANE Select); 14 bases into the intron before coding-DNA position 1055, one base deleted (T; older notation c.1055-14delT).
Molecular consequence: intron variant.
Genome position (GRCh38, 1-based): chr17:41,764,830, A deleted on the plus strand (T on the coding strand, the reverse complement: JUP is on the minus strand). VCF-style (leftmost placement, unchanged base first): chr17-41764829-TA-T. GRCh37 (hg19) VCF-style: chr17-39921081-TA-T.
Other names: c.1055-14del (NM_001352774.2, NM_021991.4, NM_001352776.2 and 3 more transcripts); c.1055-14delT (NM_021991.2).
Identifiers: ClinVar variation 323170 (VCV000323170.13), dbSNP rs140002183, ClinGen allele CA8565293.

ClinVar aggregate classification (germline): Benign/Likely benign. Review status: criteria provided, multiple submitters, no conflicts (2 of 4 stars). 3 submissions from 3 submitters: Benign (1); Likely benign (2). Last evaluated 2026-01-06.

Conditions:
Naxos disease (NXD). Also called: KERATOSIS PALMOPLANTARIS WITH ARRHYTHMOGENIC CARDIOMYOPATHY; MAL DE NAXOS; PALMOPLANTAR KERATODERMA WITH ARRHYTHMOGENIC RIGHT VENTRICULAR CARDIOMYOPATHY AND WOOLLY HAIR; WOOLLY HAIR, PALMOPLANTAR KERATODERMA, AND CARDIAC ABNORMALITIES; CARDIOMYOPATHY, ARRHYTHMOGENIC RIGHT VENTRICULAR, WITH SKIN, HAIR, AND NAIL ABNORMALITIES. Identifiers: Orphanet 34217, MedGen C1832600, MONDO:0011017, OMIM 601214.
Arrhythmogenic right ventricular dysplasia 12. Also called: ARRHYTHMOGENIC RIGHT VENTRICULAR DYSPLASIA, FAMILIAL, 12. Identifiers: MedGen C1969081, MONDO:0012684, OMIM 611528.

Allele frequency attached by ClinVar (database versions not stated): gnomAD 0.00006 and 0.00026; TOPMed 0.00006; gnomAD exomes 0.00016 and 0.00073; ExAC 0.00017; 1000 Genomes Project 30x 0.00094; 1000 Genomes Project 0.00120.

Submissions (3):

Labcorp Genetics (formerly Invitae), Labcorp
Classification: Likely benign for Arrhythmogenic right ventricular dysplasia 12; Naxos disease. Last evaluated: 2026-01-06. Review status: criteria provided, single submitter. Criteria: Invitae Variant Classification Sherloc (09022015). Collection method: clinical testing. Allele origin: germline.

Women's Health and Genetics/Laboratory Corporation of America, LabCorp
Classification: Benign. Last evaluated: 2023-04-26. Review status: criteria provided, single submitter. Criteria: LabCorp Variant Classification Summary - May 2015. Collection method: clinical testing. Allele origin: germline.

GeneDx
Classification: Likely benign. Last evaluated: 2016-03-09. Review status: criteria provided, single submitter. Criteria: GeneDx Variant Classification (06012015). Collection method: clinical testing. Allele origin: germline. Affected: yes.
Comment: This variant is considered likely benign or benign based on one or more of the following criteria: it is a conservative change, it occurs at a poorly conserved position in the protein, it is predicted to be benign by multiple in silico algorithms, and/or has population frequency not consistent with disease.